The following is an entry in ClinVar:

ClinVar aggregate classification (germline): Uncertain significance. Review status: criteria provided, multiple submitters, no conflicts (2 of 4 stars). 2 submissions from 2 submitters: Uncertain significance (2). Last evaluated 2025-11-05.

Conditions:
Tuberous sclerosis 2 (TSC2). Identifiers: Orphanet 805, MedGen C1860707, MONDO:0013199, OMIM 613254.
Hereditary cancer-predisposing syndrome. Also called: Tumor predisposition; Neoplastic Syndromes, Hereditary; Hereditary Cancer Syndrome; Hereditary neoplastic syndrome. Identifiers: Orphanet 140162, MedGen C0027672, MeSH D009386, MONDO:0015356.

Allele frequency attached by ClinVar (database versions not stated): gnomAD exomes below 0.00001.
gnomAD v4.1: 1 of 1,613,836 alleles (0.000062%); highest among the groups gnomAD compares: Non-Finnish European, 0.000085%; no homozygotes.

Submissions (2):

Ambry Genetics
Classification: Uncertain significance for Hereditary cancer-predisposing syndrome. Last evaluated: 2025-11-05. Review status: criteria provided, single submitter. Criteria: Ambry Variant Classification Scheme 2023. Collection method: clinical testing. Allele origin: germline.
Comment: The p.D501N variant (also known as c.1501G>A), located in coding exon 14 of the TSC2 gene, results from a G to A substitution at nucleotide position 1501. The aspartic acid at codon 501 is replaced by asparagine, an amino acid with highly similar properties. This amino acid position is conserved. In addition, this alteration is predicted to be tolerated by in silico analysis. Based on the available evidence, the clinical significance of this variant remains unclear.

Labcorp Genetics (formerly Invitae), Labcorp
Classification: Uncertain significance for Tuberous sclerosis 2. Last evaluated: 2025-09-03. Review status: criteria provided, single submitter. Criteria: Invitae Variant Classification Sherloc (09022015). Collection method: clinical testing. Allele origin: germline.
Comment: This sequence change replaces aspartic acid, which is acidic and polar, with asparagine, which is neutral and polar, at codon 501 of the TSC2 protein (p.Asp501Asn). This variant is not present in population databases (gnomAD no frequency). This variant has not been reported in the literature in individuals affected with TSC2-related conditions. ClinVar contains an entry for this variant (Variation ID: 1774028). Invitae Evidence Modeling of protein sequence and biophysical properties (such as structural, functional, and spatial information, amino acid conservation, physicochemical variation, residue mobility, and thermodynamic stability) indicates that this missense variant is not expected to disrupt TSC2 protein function with a negative predictive value of 95%. In summary, the available evidence is currently insufficient to determine the role of this variant in disease. Therefore, it has been classified as a Variant of Uncertain Significance.

NM_000548.5(TSC2):c.1501G>A (p.Asp501Asn)

Gene: TSC2 (TSC complex subunit 2; plus strand). Cytogenetic location: 16p13.3.
Variant type: single nucleotide variant.
Coding change: c.1501G>A on transcript NM_000548.5 (MANE Select); coding-DNA position 1501, G replaced by A.
Protein change: p.Asp501Asn; replaces aspartic acid 501 with asparagine.
Molecular consequence: missense variant.
Genome position (GRCh38, 1-based): chr16:2,064,329, G>A. VCF-style: chr16-2064329-G-A. GRCh37 (hg19) VCF-style: chr16-2114330-G-A.
Other names: c.1354G>A, p.Asp452Asn (NM_001406679.1, NM_001318829.2, NM_001406675.1 and 1 more transcripts); c.901G>A, p.Asp301Asn (NM_001406680.1, NM_001406682.1, NM_001406683.1 and 6 more transcripts); c.1039G>A, p.Asp347Asn (NM_001406681.1); c.1501G>A, p.Asp501Asn (NM_001077183.3, NM_001114382.3, NM_001363528.2 and 6 more transcripts); c.1390G>A, p.Asp464Asn (NM_001318827.2, NM_001406670.1, NM_001406678.1); c.1534G>A, p.Asp512Asn (NM_001318832.2); c.1591G>A, p.Asp531Asn (NM_001406667.1, NM_001406668.1); c.1489G>A, p.Asp497Asn (NM_001406671.1, NM_001406673.1); and 3 more; short protein forms D482N, D512N, D301N, D497N, D531N, D347N, D452N, D464N.
Identifiers: ClinVar variation 1774028 (VCV001774028.6), dbSNP rs2151189570, ClinGen allele CA394326047.
Genomic context (GRCh38, chr16:2,064,329, plus strand): 5'-CAGGAGGAGCTGATTAACTCAGTGGTCATCTCGCAGCTCTCCCACATCCCCGAGGATAAA[G>A]ACCACCAGGTCCGAAAGCTGGCCACCCAGTTGCTGGTGGACCTGGCAGAGGGCTGCCACA-3'
Protein context (NP_000539.2, residues 491-511): SQLSHIPEDK[Asp501Asn]HQVRKLATQL